The following is an entry in ClinVar:

ClinVar aggregate classification (germline): Uncertain significance (1 of 4 stars; one submission).

Conditions:
Hereditary cancer-predisposing syndrome. Also called: Neoplastic Syndromes, Hereditary; Tumor predisposition; Hereditary Cancer Syndrome; Hereditary neoplastic syndrome. Identifiers: Orphanet 140162, MedGen C0027672, MeSH D009386, MONDO:0015356.

Submission:

Ambry Genetics
Classification: Uncertain significance for Hereditary cancer-predisposing syndrome. Last evaluated: 2024-10-23. Review status: criteria provided, single submitter. Criteria: Ambry Variant Classification Scheme 2023. Collection method: clinical testing. Allele origin: germline.
Comment: The p.L145I variant (also known as c.433C>A), located in coding exon 4 of the ATM gene, results from a C to A substitution at nucleotide position 433. The leucine at codon 145 is replaced by isoleucine, an amino acid with highly similar properties. This amino acid position is highly conserved in available vertebrate species. In addition, the in silico prediction for this alteration is inconclusive. Since supporting evidence is limited at this time, the clinical significance of this alteration remains unclear.

NM_000051.4(ATM):c.433C>A (p.Leu145Ile)

Gene: ATM (ATM serine/threonine kinase; plus strand). Cytogenetic location: 11q22.3.
Variant type: single nucleotide variant.
Coding change: c.433C>A on transcript NM_000051.4 (MANE Select); coding-DNA position 433, C replaced by A.
Protein change: p.Leu145Ile; replaces leucine 145 with isoleucine.
Molecular consequence: missense variant.
Genome position (GRCh38, 1-based): chr11:108,235,771, C>A. VCF-style: chr11-108235771-C-A. GRCh37 (hg19) VCF-style: chr11-108106498-C-A.
Other names: c.433C>A, p.Leu145Ile (NM_001351834.2); short protein forms L145I.
Identifiers: ClinVar variation 142237 (VCV000142237.6), dbSNP rs587782328, ClinGen allele CA167830.